The following is an entry in ClinVar:

ClinVar aggregate classification (germline): Uncertain significance (1 of 4 stars; one submission).

Conditions:
Combined immunodeficiency due to OX40 deficiency. Also called: OX40 DEFICIENCY; Immunodeficiency 16. Identifiers: Orphanet 431149, MedGen C3810053, MONDO:0014268, OMIM 615593.

Submission:

Labcorp Genetics (formerly Invitae), Labcorp
Classification: Uncertain significance for Combined immunodeficiency due to OX40 deficiency. Last evaluated: 2025-04-18. Review status: criteria provided, single submitter. Criteria: Invitae Variant Classification Sherloc (09022015). Collection method: clinical testing. Allele origin: germline.
Comment: This sequence change replaces glycine, which is neutral and non-polar, with arginine, which is basic and polar, at codon 201 of the TNFRSF4 protein (p.Gly201Arg). This variant is not present in population databases (gnomAD no frequency). This variant has not been reported in the literature in individuals affected with TNFRSF4-related conditions. An algorithm developed to predict the effect of missense changes on protein structure and function outputs the following: PolyPhen-2: "Benign". The arginine amino acid residue is found in multiple mammalian species, which suggests that this missense change does not adversely affect protein function. In summary, the available evidence is currently insufficient to determine the role of this variant in disease. Therefore, it has been classified as a Variant of Uncertain Significance.

NM_003327.4(TNFRSF4):c.601G>A (p.Gly201Arg)

Gene: TNFRSF4 (TNF receptor superfamily member 4; minus strand). Cytogenetic location: 1p36.33.
Variant type: single nucleotide variant.
Coding change: c.601G>A on transcript NM_003327.4 (MANE Select); coding-DNA position 601, G replaced by A.
Protein change: p.Gly201Arg; replaces glycine 201 with arginine.
Molecular consequence: missense variant.
Genome position (GRCh38, 1-based): chr1:1,211,975, C>T on the plus strand (G>A on the coding strand, the complement: TNFRSF4 is on the minus strand). VCF-style: chr1-1211975-C-T. GRCh37 (hg19) VCF-style: chr1-1147355-C-T.
Other names: c.601G>A, p.Gly201Arg (NM_001410709.1); short protein forms G201R.
Identifiers: ClinVar variation 4798510 (VCV004798510.1).